The following is an entry in ClinVar:

ClinVar aggregate classification (germline): Uncertain significance (1 of 4 stars; one submission).

Submission:

GeneDx
Classification: Uncertain significance. Last evaluated: 2023-01-12. Review status: criteria provided, single submitter. Criteria: GeneDx Variant Classification Process June 2021. Collection method: clinical testing. Allele origin: germline. Affected: yes.
Comment: Not observed at significant frequency in large population cohorts (gnomAD); In silico analysis supports that this missense variant has a deleterious effect on protein structure/function; Has not been previously published as pathogenic or benign to our knowledge

NM_000977.4(RPL13):c.193C>T (p.Arg65Trp)

Gene: RPL13 (ribosomal protein L13; plus strand). Cytogenetic location: 16q24.3.
Variant type: single nucleotide variant.
Coding change: c.193C>T on transcript NM_000977.4 (MANE Select); coding-DNA position 193, C replaced by T.
Protein change: p.Arg65Trp; replaces arginine 65 with tryptophan.
Molecular consequence: missense variant.
Genome position (GRCh38, 1-based): chr16:89,561,315, C>T. VCF-style: chr16-89561315-C-T. GRCh37 (hg19) VCF-style: chr16-89627723-C-T.
Other names: c.193C>T, p.Arg65Trp (NM_001243131.1, NM_033251.2); short protein forms R65W.
Identifiers: ClinVar variation 1878976 (VCV001878976.1), dbSNP rs1597674378, ClinGen allele CA397420091.